The following is an entry in ClinVar:

ClinVar aggregate classification (germline): Uncertain significance (1 of 4 stars; one submission).

Submission:

Labcorp Genetics (formerly Invitae), Labcorp
Classification: Uncertain significance. Last evaluated: 2022-05-28. Review status: criteria provided, single submitter. Criteria: Invitae Variant Classification Sherloc (09022015). Collection method: clinical testing. Allele origin: germline.
Comment: Advanced modeling of protein sequence and biophysical properties (such as structural, functional, and spatial information, amino acid conservation, physicochemical variation, residue mobility, and thermodynamic stability) performed at Invitae indicates that this missense variant is not expected to disrupt MTOR protein function. In summary, the available evidence is currently insufficient to determine the role of this variant in disease. Therefore, it has been classified as a Variant of Uncertain Significance. This variant has not been reported in the literature in individuals affected with MTOR-related conditions. This variant is not present in population databases (gnomAD no frequency). This sequence change replaces glutamine, which is neutral and polar, with proline, which is neutral and non-polar, at codon 1241 of the MTOR protein (p.Gln1241Pro).

NM_004958.4(MTOR):c.3722A>C (p.Gln1241Pro)

Gene: MTOR (mechanistic target of rapamycin kinase; minus strand). Cytogenetic location: 1p36.22.
Variant type: single nucleotide variant.
Coding change: c.3722A>C on transcript NM_004958.4 (MANE Select); coding-DNA position 3722, A replaced by C.
Protein change: p.Gln1241Pro; replaces glutamine 1241 with proline.
Molecular consequence: missense variant.
Genome position (GRCh38, 1-based): chr1:11,209,391, T>G on the plus strand (A>C on the coding strand, the complement: MTOR is on the minus strand). VCF-style: chr1-11209391-T-G. GRCh37 (hg19) VCF-style: chr1-11269448-T-G.
Other names: c.3722A>C, p.Gln1241Pro (NM_001386500.1); c.2474A>C, p.Gln825Pro (NM_001386501.1); short protein forms Q1241P, Q825P.
Identifiers: ClinVar variation 1999867 (VCV001999867.4), dbSNP rs2523079272, ClinGen allele CA338370641.